The following is an entry in ClinVar:

ClinVar aggregate classification (germline): Uncertain significance (1 of 4 stars; one submission).

Submission:

Labcorp Genetics (formerly Invitae), Labcorp
Classification: Uncertain significance. Last evaluated: 2025-01-20. Review status: criteria provided, single submitter. Criteria: Invitae Variant Classification Sherloc (09022015). Collection method: clinical testing. Allele origin: germline.
Comment: This variant, c.1014_1016dup, results in the insertion of 1 amino acid(s) of the LEMD3 protein (p.Ala340dup), but otherwise preserves the integrity of the reading frame. This variant is present in population databases (rs780794872, gnomAD 0.01%). This variant has not been reported in the literature in individuals affected with LEMD3-related conditions. Experimental studies and prediction algorithms are not available or were not evaluated, and the functional significance of this variant is currently unknown. In summary, the available evidence is currently insufficient to determine the role of this variant in disease. Therefore, it has been classified as a Variant of Uncertain Significance.

NM_014319.5(LEMD3):c.1008GGC[4] (p.Ala340_Glu341insAla)

Gene: LEMD3 (LEM domain containing 3; plus strand). Cytogenetic location: 12q14.3.
Variant type: Microsatellite.
Coding change: c.1008GGC[4] on transcript NM_014319.5 (MANE Select); four copies in a row of the 3-base unit GGC starting at c.1008; the reference has three copies in a row; one copy, 3 bases duplicated.
Protein change: p.Ala340_Glu341insAla.
Molecular consequence: inframe insertion.
Genome position (GRCh38, 1-based): chr12:65,170,610-65,170,612, GGC duplicated; duplicating any 3 consecutive bases within chr12:65,170,604-65,170,612 gives the same sequence; the position shown is the placement nearest the transcript's 3' end. VCF-style (leftmost placement, unchanged base first): chr12-65170603-A-AGGC. GRCh37 (hg19) VCF-style: chr12-65564383-A-AGGC.
Other names: c.1008GGC[4], p.Ala340_Glu341insAla (NM_001167614.2).
Identifiers: ClinVar variation 2169342 (VCV002169342.4), dbSNP rs780794872, ClinGen allele CA6670825.